The following is an entry in ClinVar:

ClinVar aggregate classification (germline): Pathogenic (1 of 4 stars; one submission).

Conditions:
Neuromuscular disease caused by qualitative or quantitative defects of dysferlin. Also called: Qualitative or quantitative defects of dysferlin; Dysferlinopathy. Identifiers: Orphanet 207073, MedGen C2931687, MONDO:0016145.

Submission:

Labcorp Genetics (formerly Invitae), Labcorp
Classification: Pathogenic for Neuromuscular disease caused by qualitative or quantitative defects of dysferlin. Last evaluated: 2021-08-12. Review status: criteria provided, single submitter. Criteria: Invitae Variant Classification Sherloc (09022015). Collection method: clinical testing. Allele origin: germline.
Comment: This sequence change affects a donor splice site in intron 4 of the DYSF gene. It is expected to disrupt RNA splicing. Variants that disrupt the donor or acceptor splice site typically lead to a loss of protein function (PMID: 16199547), and loss-of-function variants in DYSF are known to be pathogenic (PMID: 17698709, 20301480). This variant is not present in population databases (ExAC no frequency). Disruption of this splice site has been observed in individual(s) with clinical features of DYSF-related conditions and/or limb-girdle muscular dystrophy (PMID: 26436962, 27347015). Algorithms developed to predict the effect of sequence changes on RNA splicing suggest that this variant may disrupt the consensus splice site. For these reasons, this variant has been classified as Pathogenic.

Literature cited by the submitters: PubMed 16199547; PubMed 17698709; PubMed 20301480; PubMed 26436962; PubMed 27347015.

NM_001130987.2(DYSF):c.345+1G>T

Gene: DYSF (dysferlin; plus strand). Cytogenetic location: 2p13.2.
Variant type: single nucleotide variant.
Coding change: c.345+1G>T on transcript NM_001130987.2 (MANE Select); the canonical splice donor site of the intron after coding-DNA position 345, G replaced by T.
Molecular consequence: splice donor variant.
Genome position (GRCh38, 1-based): chr2:71,503,320, G>T. VCF-style: chr2-71503320-G-T. GRCh37 (hg19) VCF-style: chr2-71730450-G-T.
Other names: c.345+1G>T (NM_001130455.2, NM_001130984.2, NM_001130986.2 and 3 more transcripts); c.342+1G>T (NM_001130978.2, NM_003494.4, NM_001130977.2 and 4 more transcripts).
Identifiers: ClinVar variation 1455665 (VCV001455665.6), dbSNP rs2152715844, ClinGen allele CA347204685.
Genomic context (GRCh38, chr2:71,503,320, plus strand): 5'-CCTAGTCTGTCCGCCAGCTTCAATGCCCCCCTGCTGGACACCAAGAAGCAGCCCACAGGG[G>T]TAAGTGCCCATCAGCCTCTGCCAGGTTAAGGTCCAAGGCATTGCCAGGTGGCTTCCTCTT-3'